The following is an entry in ClinVar:

ClinVar aggregate classification (germline): Uncertain significance (1 of 4 stars; one submission).

Submission:

Labcorp Genetics (formerly Invitae), Labcorp
Classification: Uncertain significance. Last evaluated: 2023-01-23. Review status: criteria provided, single submitter. Criteria: Invitae Variant Classification Sherloc (09022015). Collection method: clinical testing. Allele origin: germline.
Comment: In summary, the available evidence is currently insufficient to determine the role of this variant in disease. Therefore, it has been classified as a Variant of Uncertain Significance. Advanced modeling of protein sequence and biophysical properties (such as structural, functional, and spatial information, amino acid conservation, physicochemical variation, residue mobility, and thermodynamic stability) performed at Invitae indicates that this missense variant is expected to disrupt C3 protein function. This variant has not been reported in the literature in individuals affected with C3-related conditions. This variant is not present in population databases (gnomAD no frequency). This sequence change replaces lysine, which is basic and polar, with methionine, which is neutral and non-polar, at codon 1595 of the C3 protein (p.Lys1595Met).

NM_000064.4(C3):c.4784A>T (p.Lys1595Met)

Gene: C3 (complement C3; minus strand). Cytogenetic location: 19p13.3.
Variant type: single nucleotide variant.
Coding change: c.4784A>T on transcript NM_000064.4 (MANE Select); coding-DNA position 4784, A replaced by T.
Protein change: p.Lys1595Met; replaces lysine 1595 with methionine.
Molecular consequence: missense variant.
Genome position (GRCh38, 1-based): chr19:6,678,218, T>A on the plus strand (A>T on the coding strand, the complement: C3 is on the minus strand). VCF-style: chr19-6678218-T-A. GRCh37 (hg19) VCF-style: chr19-6678229-T-A.
Other names: short protein forms K1595M.
Identifiers: ClinVar variation 1941504 (VCV001941504.5), dbSNP rs1298858967, ClinGen allele CA403610987.